The following is an entry in ClinVar:

ClinVar aggregate classification (germline): Uncertain significance (1 of 4 stars; one submission).

gnomAD v4.1: 5 of 1,614,044 alleles (0.00031%); highest among the groups gnomAD compares: South Asian, 0.0022%; no homozygotes.

Submission:

Ambry Genetics
Classification: Uncertain significance. Last evaluated: 2026-04-15. Review status: criteria provided, single submitter. Criteria: Ambry Variant Classification Scheme 2023. Collection method: clinical testing. Allele origin: germline.
Comment: The c.155A>G (p.K52R) alteration is located in exon 1 (coding exon 1) of the SMCR8 gene. This alteration results from a A to G substitution at nucleotide position 155, causing the lysine (K) at amino acid position 52 to be replaced by an arginine (R). Based on data from gnomAD, the G allele has an overall frequency of <0.001% (1/251494) total alleles studied. The highest observed frequency was 0.003% (1/30614) of South Asian alleles. Based on insufficient or conflicting evidence, the clinical significance of this alteration remains unclear.

NM_144775.3(SMCR8):c.155A>G (p.Lys52Arg)

Gene: SMCR8 (SMCR8-C9orf72 complex subunit; plus strand). Cytogenetic location: 17p11.2.
Variant type: single nucleotide variant.
Coding change: c.155A>G on transcript NM_144775.3 (MANE Select); coding-DNA position 155, A replaced by G.
Protein change: p.Lys52Arg; replaces lysine 52 with arginine.
Molecular consequence: missense variant.
Genome position (GRCh38, 1-based): chr17:18,315,944, A>G. VCF-style: chr17-18315944-A-G. GRCh37 (hg19) VCF-style: chr17-18219258-A-G.
Other names: short protein forms K52R.
Identifiers: ClinVar variation 4864891 (VCV004864891.1).